The following is an entry in ClinVar:

ClinVar aggregate classification (germline): Uncertain significance (1 of 4 stars; one submission).

Allele frequency attached by ClinVar (database versions not stated): TOPMed 0.00001; ExAC 0.00002; gnomAD 0.00002; ESP Exome Variant Server 0.00015.

Submission:

Labcorp Genetics (formerly Invitae), Labcorp
Classification: Uncertain significance. Last evaluated: 2022-11-15. Review status: criteria provided, single submitter. Criteria: Invitae Variant Classification Sherloc (09022015). Collection method: clinical testing. Allele origin: germline.
Comment: The frequency data for this variant in the population databases is considered unreliable, as metrics indicate poor data quality at this position in the gnomAD database. In summary, the available evidence is currently insufficient to determine the role of this variant in disease. Therefore, it has been classified as a Variant of Uncertain Significance. Advanced modeling of protein sequence and biophysical properties (such as structural, functional, and spatial information, amino acid conservation, physicochemical variation, residue mobility, and thermodynamic stability) has been performed at Invitae for this missense variant, however the output from this modeling did not meet the statistical confidence thresholds required to predict the impact of this variant on TUBB3 protein function. This variant has not been reported in the literature in individuals affected with TUBB3-related conditions. This sequence change replaces glutamic acid, which is acidic and polar, with aspartic acid, which is acidic and polar, at codon 158 of the TUBB3 protein (p.Glu158Asp).

NM_006086.4(TUBB3):c.474G>C (p.Glu158Asp)

Gene: TUBB3 (tubulin beta 3 class III; plus strand). Cytogenetic location: 16q24.3.
Variant type: single nucleotide variant.
Coding change: c.474G>C on transcript NM_006086.4 (MANE Select); coding-DNA position 474, G replaced by C.
Protein change: p.Glu158Asp; replaces glutamic acid 158 with aspartic acid.
Molecular consequence: missense variant.
Genome position (GRCh38, 1-based): chr16:89,934,925, G>C. VCF-style: chr16-89934925-G-C. GRCh37 (hg19) VCF-style: chr16-90001333-G-C.
Other names: c.258G>C, p.Glu86Asp (NM_001197181.2); short protein forms E158D, E86D.
Identifiers: ClinVar variation 1974051 (VCV001974051.5), dbSNP rs149022652, ClinGen allele CA8256115.